The following is an entry in ClinVar:

NM_000268.4(NF2):c.442G>C (p.Ala148Pro)

Gene: NF2 (NF2, moesin-ezrin-radixin like (MERLIN) tumor suppressor; plus strand). Cytogenetic location: 22q12.2.
Variant type: single nucleotide variant.
Coding change: c.442G>C on transcript NM_000268.4 (MANE Select); coding-DNA position 442, G replaced by C.
Protein change: p.Ala148Pro; replaces alanine 148 with proline.
Molecular consequence: missense variant. On other transcripts: 5 prime UTR variant (1), non-coding transcript variant (1).
Genome position (GRCh38, 1-based): chr22:29,642,280, G>C. VCF-style: chr22-29642280-G-C. GRCh37 (hg19) VCF-style: chr22-30038269-G-C.
Other names: c.-199G>C (NM_001407065.1); c.442G>C, p.Ala148Pro (NM_001407066.1, NM_016418.5, NM_181825.3 and 5 more transcripts); c.211G>C, p.Ala71Pro (NM_001407067.1); c.316G>C, p.Ala106Pro (NM_181828.3, NM_001407055.1); c.319G>C, p.Ala107Pro (NM_181829.3, NM_001407054.1, NM_001407058.1 and 1 more transcripts); c.193G>C, p.Ala65Pro (NM_181830.3, NM_181831.3, NM_001407063.1 and 1 more transcripts); c.328G>C, p.Ala110Pro (NM_001407056.1, NM_001407053.1); short protein forms A106P, A107P, A110P, A65P, A148P, A71P.
Identifiers: ClinVar variation 4746845 (VCV004746845.1).
Genomic context (GRCh38, chr22:29,642,280, plus strand): 5'-GATGAAAAGATCTACTGCCCTCCTGAGGCTTCTGTGCTCCTGGCTTCTTACGCCGTCCAG[G>C]CCAAGGTAGGCTCAAAGAAGAAAAATGTATTTTTCCTGGGCGTTAATTTGGGTCATGGGA-3'
Protein context (NP_000259.1, residues 138-158): SVLLASYAVQ[Ala148Pro]KYGDYDPSVH

ClinVar aggregate classification (germline): Uncertain significance (1 of 4 stars; one submission).

Conditions:
Neurofibromatosis, type 2 (SWNV). Also called: BILATERAL ACOUSTIC NEUROFIBROMATOSIS; NF2-Related Schwannomatosis; SCHWANNOMATOSIS, VESTIBULAR. Identifiers: Orphanet 637, MedGen C0027832, MONDO:0007039, OMIM 101000. Disease mechanism: loss of function.

Submission:

Labcorp Genetics (formerly Invitae), Labcorp
Classification: Uncertain significance for Neurofibromatosis, type 2. Last evaluated: 2025-08-26. Review status: criteria provided, single submitter. Criteria: Invitae Variant Classification Sherloc (09022015). Collection method: clinical testing. Allele origin: germline.
Comment: This sequence change replaces alanine, which is neutral and non-polar, with proline, which is neutral and non-polar, at codon 148 of the NF2 protein (p.Ala148Pro). This variant is not present in population databases (gnomAD no frequency). This variant has not been reported in the literature in individuals affected with NF2-related conditions. Invitae Evidence Modeling of protein sequence and biophysical properties (such as structural, functional, and spatial information, amino acid conservation, physicochemical variation, residue mobility, and thermodynamic stability) indicates that this missense variant is expected to disrupt NF2 protein function with a positive predictive value of 80%. In summary, the available evidence is currently insufficient to determine the role of this variant in disease. Therefore, it has been classified as a Variant of Uncertain Significance.